The following is an entry in ClinVar:

ClinVar aggregate classification (germline): Likely pathogenic (1 of 4 stars; one submission).

Conditions:
PRR12-related disorder. Also called: PRR12-related condition.

Submission:

PreventionGenetics, part of Exact Sciences
Classification: Likely pathogenic for PRR12-related condition. Last evaluated: 2023-04-17. Review status: criteria provided, single submitter. Criteria: ACMG Guidelines, 2015. Collection method: clinical testing. Allele origin: germline.
Comment: The PRR12 c.1975delG variant is predicted to result in a frameshift and premature protein termination (p.Asp659Thrfs*67). To our knowledge, this variant has not been reported in the literature or in a large population database, indicating this variant is rare. Frameshift variants in PRR12 are expected to be pathogenic. This variant is interpreted as likely pathogenic.

NM_020719.3(PRR12):c.1975del (p.Asp659fs)

Gene: PRR12 (proline rich 12; plus strand). Cytogenetic location: 19q13.33.
Variant type: Deletion.
Coding change: c.1975del on transcript NM_020719.3 (MANE Select); coding-DNA position 1975, one base deleted (G; older notation c.1975delG).
Protein change: p.Asp659fs; shifts the reading frame from aspartic acid 659.
Molecular consequence: frameshift variant.
Genome position (GRCh38, 1-based): chr19:49,596,310, G deleted; the last of 2 consecutive G bases (chr19:49,596,309-49,596,310); deleting either gives the same sequence. VCF-style (leftmost placement, unchanged base first): chr19-49596308-CG-C. GRCh37 (hg19) VCF-style: chr19-50099565-CG-C.
Other names: short protein forms D659fs.
Identifiers: ClinVar variation 2633448 (VCV002633448.1), dbSNP rs2514271975, ClinGen allele CA2695201358.